The following is an entry in ClinVar:

NM_000051.4(ATM):c.3946A>G (p.Thr1316Ala)

Gene: ATM (ATM serine/threonine kinase; plus strand). Cytogenetic location: 11q22.3.
Variant type: single nucleotide variant.
Coding change: c.3946A>G on transcript NM_000051.4 (MANE Select); coding-DNA position 3946, A replaced by G.
Protein change: p.Thr1316Ala; replaces threonine 1316 with alanine.
Molecular consequence: missense variant.
Genome position (GRCh38, 1-based): chr11:108,284,426, A>G. VCF-style: chr11-108284426-A-G. GRCh37 (hg19) VCF-style: chr11-108155153-A-G.
Other names: c.3946A>G, p.Thr1316Ala (NM_001351834.2); short protein forms T1316A.
Identifiers: ClinVar variation 482749 (VCV000482749.10), dbSNP rs1555093708, ClinGen allele CA382525989.

ClinVar aggregate classification (germline): Uncertain significance. Review status: criteria provided, multiple submitters, no conflicts (2 of 4 stars). 2 submissions from 2 submitters: Uncertain significance (2). Last evaluated 2022-10-24.

Conditions:
Hereditary cancer-predisposing syndrome. Also called: Hereditary neoplastic syndrome; Neoplastic Syndromes, Hereditary; Tumor predisposition; Hereditary Cancer Syndrome. Identifiers: Orphanet 140162, MedGen C0027672, MeSH D009386, MONDO:0015356.
Ataxia-telangiectasia syndrome (AT). Also called: LOUIS-BAR SYNDROME; Cerebello-oculocutaneous telangiectasia; Immunodeficiency with ataxia telangiectasia; AT, COMPLEMENTATION GROUP C; Ataxia-telangiectasia, complementation group D; ATAXIA-TELANGIECTASIA, COMPLEMENTATION GROUP A. Identifiers: Orphanet 100, MedGen C0004135, MONDO:0008840, OMIM 208900.

Submissions (2):

Labcorp Genetics (formerly Invitae), Labcorp
Classification: Uncertain significance for Ataxia-telangiectasia syndrome. Last evaluated: 2022-10-24. Review status: criteria provided, single submitter. Criteria: Invitae Variant Classification Sherloc (09022015). Collection method: clinical testing. Allele origin: germline.
Comment: In summary, the available evidence is currently insufficient to determine the role of this variant in disease. Therefore, it has been classified as a Variant of Uncertain Significance. Algorithms developed to predict the effect of missense changes on protein structure and function output the following: SIFT: "Tolerated"; PolyPhen-2: "Benign"; Align-GVGD: "Class C0". The alanine amino acid residue is found in multiple mammalian species, which suggests that this missense change does not adversely affect protein function. ClinVar contains an entry for this variant (Variation ID: 482749). This variant has not been reported in the literature in individuals affected with ATM-related conditions. This variant is not present in population databases (gnomAD no frequency). This sequence change replaces threonine, which is neutral and polar, with alanine, which is neutral and non-polar, at codon 1316 of the ATM protein (p.Thr1316Ala).

Ambry Genetics
Classification: Uncertain significance for Hereditary cancer-predisposing syndrome. Last evaluated: 2017-08-17. Review status: criteria provided, single submitter. Criteria: Ambry Variant Classification Scheme 2023. Collection method: clinical testing. Allele origin: germline.
Comment: The p.T1316A variant (also known as c.3946A>G), located in coding exon 25 of the ATM gene, results from an A to G substitution at nucleotide position 3946. The threonine at codon 1316 is replaced by alanine, an amino acid with similar properties. This amino acid position is poorly conserved in available vertebrate species. In addition, this alteration is predicted to be tolerated by in silico analysis. Since supporting evidence is limited at this time, the clinical significance of this alteration remains unclear.